The following is an entry in ClinVar:

NM_005085.4(NUP214):c.4208C>T (p.Thr1403Ile)

Gene: NUP214 (nucleoporin 214; plus strand). Cytogenetic location: 9q34.13.
Variant type: single nucleotide variant.
Coding change: c.4208C>T on transcript NM_005085.4 (MANE Select); coding-DNA position 4208, C replaced by T.
Protein change: p.Thr1403Ile; replaces threonine 1403 with isoleucine.
Molecular consequence: missense variant.
Genome position (GRCh38, 1-based): chr9:131,197,702, C>T. VCF-style: chr9-131197702-C-T. GRCh37 (hg19) VCF-style: chr9-134073089-C-T.
Other names: c.4178C>T, p.Thr1393Ile (NM_001318324.2); c.686C>T, p.Thr229Ile (NM_001318325.2); short protein forms T229I, T1403I, T1393I.
Identifiers: ClinVar variation 2454754 (VCV002454754.4), dbSNP rs146771453, ClinGen allele CA5289909.
Genomic context (GRCh38, chr9:131,197,702, plus strand): 5'-ACACGGAGCCCCCTGTGACATCCTCTGCAACCACCACCTCAGTAGCACCACCAGCAGCCA[C>T]CAGCACTTCCTCAACTGCCGTTTTTGGCAGTCTGCCAGTCACCAGTGCAGGATCCTCTGG-3'
Protein context (NP_005076.3, residues 1393-1413): TTTSVAPPAA[Thr1403Ile]STSSTAVFGS

ClinVar aggregate classification (germline): Uncertain significance. Review status: criteria provided, multiple submitters, no conflicts (2 of 4 stars). 2 submissions from 2 submitters: Uncertain significance (2). Last evaluated 2026-04-26.

Allele frequency attached by ClinVar (database versions not stated): ESP Exome Variant Server 0.00008.
gnomAD v4.1: 36 of 1,614,120 alleles (0.0022%); highest among the groups gnomAD compares: African/African-American, 0.043%; no homozygotes.

Submissions (2):

Dasa
Classification: Uncertain significance. Last evaluated: 2026-04-26. Review status: criteria provided, single submitter. Criteria: DASA Assertion Criteria. Collection method: clinical testing. Allele origin: germline.
Comment: NM_005085.4(NUP214):c.4208C>T (p.Thr1403Ile) is a missense variant that results in the substitution of threonine with isoleucine. This variant is rare in population databases. Computational prediction algorithms are consistent with a benign effect. The currently available literature and clinical evidence are not sufficient to establish a definitive association between this variant and the reported condition. Therefore, this variant is classified as a variant of uncertain significance.

Ambry Genetics
Classification: Uncertain significance. Last evaluated: 2023-01-10. Review status: criteria provided, single submitter. Criteria: Ambry Variant Classification Scheme 2023. Collection method: clinical testing. Allele origin: germline.